The following is an entry in ClinVar:

NM_198859.4(PRICKLE2):c.1007G>A (p.Arg336His)

Gene: PRICKLE2 (prickle planar cell polarity protein 2; minus strand). Cytogenetic location: 3p14.1.
Variant type: single nucleotide variant.
Coding change: c.1007G>A on transcript NM_198859.4 (MANE Select); coding-DNA position 1007, G replaced by A.
Protein change: p.Arg336His; replaces arginine 336 with histidine.
Molecular consequence: missense variant.
Genome position (GRCh38, 1-based): chr3:64,147,483, C>T on the plus strand (G>A on the coding strand, the complement: PRICKLE2 is on the minus strand). VCF-style: chr3-64147483-C-T. GRCh37 (hg19) VCF-style: chr3-64133159-C-T.
Other names: c.1007G>A (NM_198859.3); c.1007G>A, p.Arg336His (NM_001370528.1); short protein forms R336H.
Identifiers: ClinVar variation 1019991 (VCV001019991.9), dbSNP rs147289291, ClinGen allele CA2479704.

ClinVar aggregate classification (germline): Uncertain significance. Review status: criteria provided, multiple submitters, no conflicts (2 of 4 stars). 2 submissions from 2 submitters: Uncertain significance (2). Last evaluated 2025-05-19.

Conditions:
Progressive myoclonic epilepsy type 5. Identifiers: Orphanet 402082, MedGen C5190799.

Allele frequency attached by ClinVar (database versions not stated): TOPMed 0.00004; ESP Exome Variant Server 0.00015; 1000 Genomes Project 30x 0.00031.
gnomAD v4.1: 80 of 1,614,252 alleles (0.005%); highest among the groups gnomAD compares: South Asian, 0.049%; no homozygotes.

Submissions (2):

Labcorp Genetics (formerly Invitae), Labcorp
Classification: Uncertain significance for Progressive myoclonic epilepsy type 5. Last evaluated: 2025-05-19. Review status: criteria provided, single submitter. Criteria: Invitae Variant Classification Sherloc (09022015). Collection method: clinical testing. Allele origin: germline.
Comment: This sequence change replaces arginine, which is basic and polar, with histidine, which is basic and polar, at codon 336 of the PRICKLE2 protein (p.Arg336His). This variant is present in population databases (rs147289291, gnomAD 0.07%), and has an allele count higher than expected for a pathogenic variant. This variant has not been reported in the literature in individuals affected with PRICKLE2-related conditions. ClinVar contains an entry for this variant (Variation ID: 1019991). Invitae Evidence Modeling of protein sequence and biophysical properties (such as structural, functional, and spatial information, amino acid conservation, physicochemical variation, residue mobility, and thermodynamic stability) indicates that this missense variant is not expected to disrupt PRICKLE2 protein function with a negative predictive value of 80%. In summary, the available evidence is currently insufficient to determine the role of this variant in disease. Therefore, it has been classified as a Variant of Uncertain Significance.

Ambry Genetics
Classification: Uncertain significance. Last evaluated: 2024-08-05. Review status: criteria provided, single submitter. Criteria: Ambry Variant Classification Scheme 2023. Collection method: clinical testing. Allele origin: germline.